The following is an entry in ClinVar:

NM_020433.5(JPH2):c.1030A>G (p.Asn344Asp)

Gene: JPH2 (junctophilin 2; minus strand). Cytogenetic location: 20q13.12.
Variant type: single nucleotide variant.
Coding change: c.1030A>G on transcript NM_020433.5 (MANE Select); coding-DNA position 1030, A replaced by G.
Protein change: p.Asn344Asp; replaces asparagine 344 with aspartic acid.
Molecular consequence: missense variant.
Genome position (GRCh38, 1-based): chr20:44,159,757, T>C on the plus strand (A>G on the coding strand, the complement: JPH2 is on the minus strand). VCF-style: chr20-44159757-T-C. GRCh37 (hg19) VCF-style: chr20-42788397-T-C.
Other names: short protein forms N344D.
Identifiers: ClinVar variation 4762274 (VCV004762274.1).
Genomic context (GRCh38, chr20:44,159,757, plus strand): 5'-GGCGGACCTTGTTGCTCTTGAGCTGCAGCATGCGGCGCTTGGTGTCCTTGACCAGCACGT[T>C]GTGGCGGTACTTGCCCTCCTCGCGGTGGCCGTCGGGCAGCGTGGTGCAGCCATAGCCGTG-3'
Protein context (NP_065166.2, residues 334-354): GHREEGKYRH[Asn344Asp]VLVKDTKRRM

ClinVar aggregate classification (germline): Uncertain significance (1 of 4 stars; one submission).

Conditions:
Hypertrophic cardiomyopathy. Also called: HYPERTROPHIC MYOCARDIOPATHY. Identifiers: Orphanet 217569, MedGen C0007194, MeSH D002312, MONDO:0005045, HP:0001639.

Submission:

Labcorp Genetics (formerly Invitae), Labcorp
Classification: Uncertain significance for Hypertrophic cardiomyopathy. Last evaluated: 2025-12-23. Review status: criteria provided, single submitter. Criteria: Invitae Variant Classification Sherloc (09022015). Collection method: clinical testing. Allele origin: germline.
Comment: This sequence change replaces asparagine, which is neutral and polar, with aspartic acid, which is acidic and polar, at codon 344 of the JPH2 protein (p.Asn344Asp). This variant is not present in population databases (gnomAD no frequency). This variant has not been reported in the literature in individuals affected with JPH2-related conditions. An algorithm developed to predict the effect of missense changes on protein structure and function (PolyPhen-2) suggests that this variant is likely to be disruptive. In summary, the available evidence is currently insufficient to determine the role of this variant in disease. Therefore, it has been classified as a Variant of Uncertain Significance.